The following is an entry in ClinVar:

NM_006003.3(UQCRFS1):c.786G>A (p.Thr262=)

Gene: UQCRFS1 (ubiquinol-cytochrome c reductase, Rieske iron-sulfur polypeptide 1; minus strand). Cytogenetic location: 19q12.
Variant type: single nucleotide variant.
Coding change: c.786G>A on transcript NM_006003.3 (MANE Select); coding-DNA position 786, G replaced by A.
Protein change: p.Thr262=; no amino-acid change (threonine 262 retained).
Molecular consequence: synonymous variant.
Genome position (GRCh38, 1-based): chr19:29,207,587, C>T on the plus strand (G>A on the coding strand, the complement: UQCRFS1 is on the minus strand). VCF-style: chr19-29207587-C-T. GRCh37 (hg19) VCF-style: chr19-29698494-C-T.
Identifiers: ClinVar variation 2649667 (VCV002649667.24), dbSNP rs754315857, ClinGen allele CA9350800.
Genomic context (GRCh38, chr19:29,207,587, plus strand): 5'-TATGACTTGAGTCCAAGTCTCTTAACCAACAATCACCATATCGTCACTGGTGAACTCATA[C>T]GTGGGGACTTCAAGGTTGAGAGGAGCAGGACCCAATCTGATCCTGCCAGATGCATCATAG-3'
Protein context (NP_005994.2, residues 252-272): GPAPLNLEVP[Thr262=]YEFTSDDMVI

ClinVar aggregate classification (germline): Likely benign (1 of 4 stars; one submission).

Allele frequency attached by ClinVar (database versions not stated): gnomAD 0.00001; ExAC 0.00002.

Submission:

CeGaT Center for Human Genetics Tuebingen
Classification: Likely benign. Last evaluated: 2022-11-01. Review status: criteria provided, single submitter. Criteria: CeGaT Center For Human Genetics Tuebingen Variant Classification Criteria Version 2. Collection method: clinical testing. Allele origin: germline. Affected: yes. Observed: 1 variant allele.
Comment: UQCRFS1: BP4, BP7